The following is an entry in ClinVar:

NM_000051.4(ATM):c.3354A>G (p.Thr1118=)

Gene: ATM (ATM serine/threonine kinase; plus strand). Cytogenetic location: 11q22.3.
Variant type: single nucleotide variant.
Coding change: c.3354A>G on transcript NM_000051.4 (MANE Select); coding-DNA position 3354, A replaced by G.
Protein change: p.Thr1118=; no amino-acid change (threonine 1118 retained).
Molecular consequence: synonymous variant.
Genome position (GRCh38, 1-based): chr11:108,279,560, A>G. VCF-style: chr11-108279560-A-G. GRCh37 (hg19) VCF-style: chr11-108150287-A-G.
Other names: p.Thr1118=; c.3354A>G, p.Thr1118= (NM_001351834.2).
Identifiers: ClinVar variation 185554 (VCV000185554.65), dbSNP rs377316982, ClinGen allele CA192263.

ClinVar aggregate classification (germline): Benign/Likely benign. Review status: criteria provided, multiple submitters, no conflicts (2 of 4 stars). 13 submissions from 13 submitters: Benign (2); Likely benign (11). Last evaluated 2026-01-26.

Conditions:
Hereditary cancer-predisposing syndrome. Also called: Tumor predisposition; Neoplastic Syndromes, Hereditary; Hereditary Cancer Syndrome; Hereditary neoplastic syndrome. Identifiers: Orphanet 140162, MedGen C0027672, MeSH D009386, MONDO:0015356.
Ataxia-telangiectasia syndrome (AT). Also called: LOUIS-BAR SYNDROME; Ataxia-telangiectasia, complementation group D; Ataxia telangiectasia (A-T); AT, COMPLEMENTATION GROUP C; ATAXIA-TELANGIECTASIA, COMPLEMENTATION GROUP A; ATAXIA-TELANGIECTASIA, FRESNO VARIANT. Identifiers: Orphanet 100, MedGen C0004135, MONDO:0008840, OMIM 208900.
Familial cancer of breast. Also called: hereditary breast carcinoma; BREAST CANCER, FAMILIAL; Hereditary breast cancer. Identifiers: Orphanet 227535, MedGen C0346153, MONDO:0016419, OMIM 114480. Disease mechanism: loss of function.

Allele frequency attached by ClinVar (database versions not stated): ExAC 0.00002; gnomAD exomes 0.00002 and 0.00010; TOPMed 0.00002; gnomAD 0.00003; ESP Exome Variant Server 0.00008.
gnomAD v4.1: 143 of 1,613,750 alleles (0.0089%); highest among the groups gnomAD compares: Non-Finnish European, 0.012%; no homozygotes.

Submissions (13):

Labcorp Genetics (formerly Invitae), Labcorp
Classification: Likely benign for Ataxia-telangiectasia syndrome. Last evaluated: 2026-01-26. Review status: criteria provided, single submitter. Criteria: Invitae Variant Classification Sherloc (09022015). Collection method: clinical testing. Allele origin: germline.

Mayo Clinic Laboratories, Mayo Clinic
Classification: Likely benign. Last evaluated: 2025-05-27. Review status: criteria provided, single submitter. Criteria: ACMG Guidelines, 2015. Collection method: clinical testing. Allele origin: germline. Observed: 2 variant alleles.
Comment: BP4, BP7

Blueprint Genetics
Classification: Likely benign. Last evaluated: 2024-09-05. Review status: criteria provided, single submitter. Criteria: ACMG Guidelines, 2015. Collection method: clinical testing. Allele origin: germline.

Department of Pathology and Laboratory Medicine, Sinai Health System
Classification: Likely benign for Familial cancer of breast. Last evaluated: 2024-07-12. Review status: criteria provided, single submitter. Criteria: ACMG Guidelines, 2015. Collection method: clinical testing. Allele origin: germline. Affected: yes.

Myriad Genetics, Inc.
Classification: Benign for Familial cancer of breast. Last evaluated: 2024-05-14. Review status: criteria provided, single submitter. Criteria: Myriad Autosomal Dominant, Autosomal Recessive and X-Linked Classification Criteria (2023). Collection method: clinical testing. Allele origin: unknown.
Comment: This variant is considered benign. This variant is a silent/synonymous amino acid change and it is not expected to impact splicing.

Athena Diagnostics
Classification: Likely benign. Last evaluated: 2024-01-02. Review status: criteria provided, single submitter. Criteria: Athena Diagnostics Criteria. Collection method: clinical testing. Allele origin: unknown.

Women's Health and Genetics/Laboratory Corporation of America, LabCorp
Classification: Likely benign. Last evaluated: 2023-05-14. Review status: criteria provided, single submitter. Criteria: LabCorp Variant Classification Summary - May 2015. Collection method: clinical testing. Allele origin: germline.

CeGaT Center for Human Genetics Tuebingen
Classification: Likely benign. Last evaluated: 2022-09-01. Review status: criteria provided, single submitter. Criteria: CeGaT Center For Human Genetics Tuebingen Variant Classification Criteria Version 2. Collection method: clinical testing. Allele origin: germline. Affected: yes. Observed: 3 variant alleles.
Comment: ATM: BP4, BP7

Quest Diagnostics Nichols Institute San Juan Capistrano
Classification: Likely benign. Last evaluated: 2022-06-03. Review status: criteria provided, single submitter. Criteria: Quest Diagnostics criteria. Collection method: clinical testing. Allele origin: unknown.

Sema4
Classification: Likely benign for Hereditary cancer-predisposing syndrome. Last evaluated: 2021-02-05. Review status: criteria provided, single submitter. Criteria: Sema4 Curation Guidelines. Collection method: curation. Allele origin: germline.

Color Diagnostics, LLC DBA Color Health
Classification: Likely benign for Hereditary cancer-predisposing syndrome. Last evaluated: 2016-12-02. Review status: criteria provided, single submitter. Criteria: ACMG Guidelines, 2015. Collection method: clinical testing. Allele origin: germline.

GeneDx
Classification: Benign. Last evaluated: 2015-03-03. Review status: criteria provided, single submitter. Criteria: GeneDx Variant Classification Process June 2021. Collection method: clinical testing. Allele origin: germline. Affected: yes.

Ambry Genetics
Classification: Likely benign for Hereditary cancer-predisposing syndrome. Last evaluated: 2014-08-07. Review status: criteria provided, single submitter. Criteria: Ambry Variant Classification Scheme 2023. Collection method: clinical testing. Allele origin: germline.

Literature cited by the submitters: PubMed 28779002 (cited by Athena Diagnostics).